The following is an entry in ClinVar:

ClinVar aggregate classification (germline): Uncertain significance (1 of 4 stars; one submission).

gnomAD v4.1: 1 of 1,207,145 alleles (0.000083%); highest among the groups gnomAD compares: Non-Finnish European, 0.00011%; no homozygotes.

Submission:

GeneDx
Classification: Uncertain significance. Last evaluated: 2025-01-25. Review status: criteria provided, single submitter. Criteria: GeneDx Variant Classification Process June 2021. Collection method: clinical testing. Allele origin: germline. Affected: yes.
Comment: Not observed at significant frequency in large population cohorts (gnomAD); In silico analysis indicates that this missense variant does not alter protein structure/function; Has not been previously published as pathogenic or benign to our knowledge

NM_001367721.1(CASK):c.760C>T (p.Arg254Cys)

Gene: CASK (calcium/calmodulin dependent serine protein kinase; minus strand). Cytogenetic location: Xp11.4.
Variant type: single nucleotide variant.
Coding change: c.760C>T on transcript NM_001367721.1 (MANE Select); coding-DNA position 760, C replaced by T.
Protein change: p.Arg254Cys; replaces arginine 254 with cysteine.
Molecular consequence: missense variant.
Genome position (GRCh38, 1-based): chrX:41,660,510, G>A on the plus strand (C>T on the coding strand, the complement: CASK is on the minus strand). VCF-style: chrX-41660510-G-A. GRCh37 (hg19) VCF-style: chrX-41519763-G-A.
Other names: c.760C>T, p.Arg254Cys (NM_001126054.3, NM_001126055.3, NM_001410745.1 and 1 more transcripts); short protein forms R254C.
Identifiers: ClinVar variation 4072439 (VCV004072439.1).